The following is an entry in ClinVar:

ClinVar aggregate classification (germline): Uncertain significance. Review status: criteria provided, multiple submitters, no conflicts (2 of 4 stars). 5 submissions from 5 submitters: Uncertain significance (5). Last evaluated 2026-04-27.

Conditions:
Epidermolysis bullosa simplex, Ogna type (EBS5A). Also called: Pidermolysis bullosa simplex 5A, Ogna type; EPIDERMOLYSIS BULLOSA SIMPLEX 5A, OGNA TYPE. Identifiers: Orphanet 79401, MedGen C0432317, MONDO:0007555, OMIM 131950.
Autosomal recessive limb-girdle muscular dystrophy type 2Q (LGMDR17). Also called: MUSCULAR DYSTROPHY, LIMB-GIRDLE, AUTOSOMAL RECESSIVE 17. Identifiers: Orphanet 254361, MedGen C3150989, MONDO:0013390, OMIM 613723.
Epidermolysis bullosa simplex 5B, with muscular dystrophy (EBS5B). Also called: Epidermolysis bullosa simplex with muscular dystrophy; EPIDERMOLYSIS BULLOSA SIMPLEX AND LIMB-GIRDLE MUSCULAR DYSTROPHY. Identifiers: Orphanet 257, MedGen C2931072, MONDO:0009181, OMIM 226670.
Epidermolysis bullosa simplex with nail dystrophy (EBS5D). Identifiers: MedGen C4225309, MONDO:0014661, OMIM 616487.
Epidermolysis bullosa simplex 5C, with pyloric atresia (EBS5C). Also called: PLEC-Related Epidermolysis Bullosa with Pyloric Atresia; Epidermolysis bullosa simplex with pyloric atresia; PLEC1-Related Epidermolysis Bullosa with Pyloric Atresia. Identifiers: Orphanet 158684, MedGen C2677349, MONDO:0012807, OMIM 612138.
PLEC-related disorder. Also called: PLEC-related condition; PLEC-related disorders.
Inborn genetic diseases. Identifiers: MedGen C0950123, MeSH D030342.

Allele frequency attached by ClinVar (database versions not stated): gnomAD 0.00002; TOPMed 0.00002; gnomAD exomes 0.00003 and 0.00007; ExAC 0.00005.
gnomAD v4.1: 49 of 1,603,192 alleles (0.0031%); highest among the groups gnomAD compares: Admixed American, 0.015%; no homozygotes.

Submissions (5):

PreventionGenetics, part of Exact Sciences
Classification: Uncertain significance for PLEC-related condition. Last evaluated: 2026-04-27. Review status: criteria provided, single submitter. Criteria: ACMG Guidelines, 2015. Collection method: clinical testing. Allele origin: germline.
Comment: The PLEC c.7232G>A variant is predicted to result in the amino acid substitution p.Arg2411His. To our knowledge, this variant has not been reported in the literature. This variant is reported in 0.023% of alleles in individuals of European (Finnish) descent in gnomAD. At this time, the clinical significance of this variant is uncertain due to the absence of conclusive functional and genetic evidence.

CeGaT Center for Human Genetics Tuebingen
Classification: Uncertain significance. Last evaluated: 2025-12-01. Review status: criteria provided, single submitter. Criteria: CeGaT Center For Human Genetics Tuebingen Variant Classification Criteria Version 2. Collection method: clinical testing. Allele origin: germline. Affected: yes. Observed: 1 variant allele.
Comment: PLEC: PM2

Ambry Genetics
Classification: Uncertain significance for Inborn genetic diseases. Last evaluated: 2025-06-19. Review status: criteria provided, single submitter. Criteria: Ambry Variant Classification Scheme 2023. Collection method: clinical testing. Allele origin: germline.

Labcorp Genetics (formerly Invitae), Labcorp
Classification: Uncertain significance for Autosomal recessive limb-girdle muscular dystrophy type 2Q; Epidermolysis bullosa simplex, Ogna type; Epidermolysis bullosa simplex with nail dystrophy; Epidermolysis bullosa simplex 5C, with pyloric atresia; Epidermolysis bullosa simplex 5B, with muscular dystrophy. Last evaluated: 2023-11-17. Review status: criteria provided, single submitter. Criteria: Invitae Variant Classification Sherloc (09022015). Collection method: clinical testing. Allele origin: germline.
Comment: This sequence change replaces arginine, which is basic and polar, with histidine, which is basic and polar, at codon 2411 of the PLEC protein (p.Arg2411His). This variant is present in population databases (rs201594706, gnomAD 0.02%). This variant has not been reported in the literature in individuals affected with PLEC-related conditions. ClinVar contains an entry for this variant (Variation ID: 471639). An algorithm developed to predict the effect of missense changes on protein structure and function (PolyPhen-2) suggests that this variant is likely to be tolerated. In summary, the available evidence is currently insufficient to determine the role of this variant in disease. Therefore, it has been classified as a Variant of Uncertain Significance.

Revvity Omics, Revvity
Classification: Uncertain significance. Last evaluated: 2021-04-26. Review status: criteria provided, single submitter. Criteria: ACMG Guidelines, 2015. Collection method: clinical testing. Allele origin: germline.

NM_201384.3(PLEC):c.7151G>A (p.Arg2384His)

Gene: PLEC (plectin; minus strand). Cytogenetic location: 8q24.3.
Variant type: single nucleotide variant.
Coding change: c.7151G>A on transcript NM_201384.3 (MANE Select); coding-DNA position 7151, G replaced by A.
Protein change: p.Arg2384His; replaces arginine 2384 with histidine.
Molecular consequence: missense variant.
Genome position (GRCh38, 1-based): chr8:143,922,778, C>T on the plus strand (G>A on the coding strand, the complement: PLEC is on the minus strand). VCF-style: chr8-143922778-C-T. GRCh37 (hg19) VCF-style: chr8-144996946-C-T.
Other names: c.7232G>A, p.Arg2411His (NM_000445.5); c.7109G>A, p.Arg2370His (NM_201378.4); c.7085G>A, p.Arg2362His (NM_201379.3); c.7562G>A, p.Arg2521His (NM_201380.4); c.7055G>A, p.Arg2352His (NM_201381.3); c.7151G>A, p.Arg2384His (NM_201382.4); c.7163G>A, p.Arg2388His (NM_201383.3); c.7232G>A (NM_000445.3); short protein forms R2370H, R2411H, R2384H, R2388H, R2521H, R2352H, R2362H.
Identifiers: ClinVar variation 471639 (VCV000471639.18), dbSNP rs201594706, ClinGen allele CA4925743.